The following is an entry in ClinVar:

NM_000179.3(MSH6):c.3279A>T (p.Gly1093=)

Gene: MSH6 (mutS homolog 6; plus strand). Cytogenetic location: 2p16.3.
Variant type: single nucleotide variant.
Coding change: c.3279A>T on transcript NM_000179.3 (MANE Select); coding-DNA position 3279, A replaced by T.
Protein change: p.Gly1093=; no amino-acid change (glycine 1093 retained).
Molecular consequence: synonymous variant.
Genome position (GRCh38, 1-based): chr2:47,803,526, A>T. VCF-style: chr2-47803526-A-T. GRCh37 (hg19) VCF-style: chr2-48030665-A-T.
Other names: c.2889A>T, p.Gly963= (NM_001281492.2); c.2373A>T, p.Gly791= (NM_001281493.2, NM_001281494.2).
Identifiers: ClinVar variation 229708 (VCV000229708.18), dbSNP rs876658155, ClinGen allele CA10578137.
Genomic context (GRCh38, chr2:47,803,526, plus strand): 5'-TATGTGTCGCCCAGTAATTCTGTTGCCGGAAGATACCCCCCCCTTCTTAGAGCTTAAAGG[A>T]TCACGCCATCCTTGCATTACGAAGACTTTTTTTGGAGATGATTTTATTCCTAATGACATT-3'
Protein context (NP_000170.1, residues 1083-1103): EDTPPFLELK[Gly1093=]SRHPCITKTF

ClinVar aggregate classification (germline): Benign/Likely benign. Review status: criteria provided, multiple submitters, no conflicts (2 of 4 stars). 4 submissions from 4 submitters: Benign (1); Likely benign (3). Last evaluated 2025-12-24.

Conditions:
Hereditary nonpolyposis colorectal neoplasms. Identifiers: MedGen C0009405, MeSH D003123.
Hereditary cancer-predisposing syndrome. Also called: Hereditary neoplastic syndrome; Hereditary Cancer Syndrome; Neoplastic Syndromes, Hereditary; Tumor predisposition. Identifiers: Orphanet 140162, MedGen C0027672, MeSH D009386, MONDO:0015356.
Lynch syndrome 5 (LYNCH5). Also called: Colorectal cancer, hereditary nonpolyposis, type 5; Hereditary non-polyposis colorectal cancer, type 5. Identifiers: Orphanet 144, MedGen C1833477, MONDO:0013710, OMIM 614350. Disease mechanism: loss of function.

Allele frequency attached by ClinVar (database versions not stated): TOPMed below 0.00001; gnomAD 0.00001.
gnomAD v4.1: 1 of 1,613,974 alleles (0.000062%); highest among the groups gnomAD compares: Non-Finnish European, 0.000085%; no homozygotes.

Submissions (4):

Labcorp Genetics (formerly Invitae), Labcorp
Classification: Likely benign for Hereditary nonpolyposis colorectal neoplasms. Last evaluated: 2025-12-24. Review status: criteria provided, single submitter. Criteria: Invitae Variant Classification Sherloc (09022015). Collection method: clinical testing. Allele origin: germline.

Myriad Genetics, Inc.
Classification: Benign for Lynch syndrome 5. Last evaluated: 2025-01-06. Review status: criteria provided, single submitter. Criteria: Myriad Autosomal Dominant, Autosomal Recessive and X-Linked Classification Criteria (2023). Collection method: clinical testing. Allele origin: unknown.
Comment: This variant is considered benign. This variant is a silent/synonymous amino acid change and it is not expected to impact splicing.

GeneDx
Classification: Likely benign. Last evaluated: 2019-06-03. Review status: criteria provided, single submitter. Criteria: GeneDx Variant Classification Process June 2021. Collection method: clinical testing. Allele origin: germline. Affected: yes.
Comment: This variant is associated with the following publications: (PMID: 26552419)

Ambry Genetics
Classification: Likely benign for Hereditary cancer-predisposing syndrome. Last evaluated: 2014-11-18. Review status: criteria provided, single submitter. Criteria: Ambry Variant Classification Scheme 2023. Collection method: clinical testing. Allele origin: germline.